The following is an entry in ClinVar:

ClinVar aggregate classification (germline): Likely pathogenic (1 of 4 stars; one submission).

Allele frequency attached by ClinVar (database versions not stated): gnomAD exomes 0.00001.
gnomAD v4.1: 3 of 1,612,506 alleles (0.00019%); highest among the groups gnomAD compares: South Asian, 0.0022%; no homozygotes.

Submission:

Labcorp Genetics (formerly Invitae), Labcorp
Classification: Likely pathogenic. Last evaluated: 2023-07-04. Review status: criteria provided, single submitter. Criteria: Invitae Variant Classification Sherloc (09022015). Collection method: clinical testing. Allele origin: germline.
Comment: This sequence change affects a donor splice site in intron 5 of the C7 gene. It is expected to disrupt RNA splicing. Variants that disrupt the donor or acceptor splice site typically lead to a loss of protein function (PMID: 16199547), and loss-of-function variants in C7 are known to be pathogenic (PMID: 9856499, 17407100). This variant is present in population databases (no rsID available, gnomAD 0.003%). This variant has not been reported in the literature in individuals affected with C7-related conditions. Algorithms developed to predict the effect of sequence changes on RNA splicing suggest that this variant may disrupt the consensus splice site. In summary, the currently available evidence indicates that the variant is pathogenic, but additional data are needed to prove that conclusively. Therefore, this variant has been classified as Likely Pathogenic.

Literature cited by the submitters: PubMed 16199547; PubMed 9856499; PubMed 17407100.

NM_000587.4(C7):c.428+1G>A

Gene: C7 (complement C7; plus strand). Cytogenetic location: 5p13.1.
Variant type: single nucleotide variant.
Coding change: c.428+1G>A on transcript NM_000587.4 (MANE Select); the canonical splice donor site of the intron after coding-DNA position 428, G replaced by A.
Molecular consequence: splice donor variant.
Genome position (GRCh38, 1-based): chr5:40,936,486, G>A. VCF-style: chr5-40936486-G-A. GRCh37 (hg19) VCF-style: chr5-40936588-G-A.
Identifiers: ClinVar variation 2809768 (VCV002809768.3), dbSNP rs1561243383, ClinGen allele CA359590495.
Genomic context (GRCh38, chr5:40,936,486, plus strand): 5'-AAGGAGACCTTCCTGTGATATCGATAAACCTCCTCCTAACATAGAACTTACTGGAAATGG[G>A]TAAGGTGCTGGGCAGCCTCCTGAGTACATCAGTGAATTGTAGTTTTAAATTTTGTTTTAT-3'